The following is an entry in ClinVar:

NM_020232.5(PSMG2):c.288+2T>A

Gene: PSMG2 (proteasome assembly chaperone 2; plus strand). Cytogenetic location: 18p11.21.
Variant type: single nucleotide variant.
Coding change: c.288+2T>A on transcript NM_020232.5 (MANE Select); the canonical splice donor site of the intron after coding-DNA position 288, T replaced by A.
Molecular consequence: splice donor variant.
Genome position (GRCh38, 1-based): chr18:12,712,762, T>A. VCF-style: chr18-12712762-T-A. GRCh37 (hg19) VCF-style: chr18-12712761-T-A.
Other names: c.195+2T>A (NM_147163.2).
Identifiers: ClinVar variation 2015946 (VCV002015946.4), dbSNP rs764746574, ClinGen allele CA401966951.

ClinVar aggregate classification (germline): Uncertain significance (1 of 4 stars; one submission).

Submission:

Labcorp Genetics (formerly Invitae), Labcorp
Classification: Uncertain significance. Last evaluated: 2022-07-11. Review status: criteria provided, single submitter. Criteria: Invitae Variant Classification Sherloc (09022015). Collection method: clinical testing. Allele origin: germline.
Comment: In summary, the available evidence is currently insufficient to determine the role of this variant in disease. Therefore, it has been classified as a Variant of Uncertain Significance. Algorithms developed to predict the effect of sequence changes on RNA splicing suggest that this variant may disrupt the consensus splice site. This variant has not been reported in the literature in individuals affected with PSMG2-related conditions. This variant is not present in population databases (gnomAD no frequency). This sequence change affects a donor splice site in intron 3 of the PSMG2 gene. It is expected to disrupt RNA splicing. Variants that disrupt the donor or acceptor splice site typically lead to a loss of protein function (PMID: 16199547), however the current clinical and genetic evidence is not sufficient to establish whether loss-of-function variants in PSMG2 cause disease.

Literature cited by the submitters: PubMed 16199547.